The following is an entry in ClinVar:

NM_000059.4(BRCA2):c.3329A>G (p.Glu1110Gly)

Gene: BRCA2 (BRCA2 DNA repair associated; plus strand). Cytogenetic location: 13q13.1.
Variant type: single nucleotide variant.
Coding change: c.3329A>G on transcript NM_000059.4 (MANE Select); coding-DNA position 3329, A replaced by G.
Protein change: p.Glu1110Gly; replaces glutamic acid 1110 with glycine.
Molecular consequence: missense variant.
Genome position (GRCh38, 1-based): chr13:32,337,684, A>G. VCF-style: chr13-32337684-A-G. GRCh37 (hg19) VCF-style: chr13-32911821-A-G.
Other names: short protein forms E1110G.
Identifiers: ClinVar variation 236847 (VCV000236847.19), dbSNP rs587782072, ClinGen allele CA6940689.

ClinVar aggregate classification (germline): Conflicting classifications of pathogenicity. Review status: criteria provided, conflicting classifications (1 of 4 stars). 6 submissions from 6 submitters: Uncertain significance (5); Likely benign (1). Last evaluated 2025-11-11.

Conditions:
Hereditary cancer-predisposing syndrome. Also called: Hereditary neoplastic syndrome; Hereditary Cancer Syndrome; Neoplastic Syndromes, Hereditary; Tumor predisposition. Identifiers: Orphanet 140162, MedGen C0027672, MeSH D009386, MONDO:0015356.
Hereditary breast ovarian cancer syndrome. Also called: BRCA1- and BRCA2-Associated Hereditary Breast and Ovarian Cancer; Hereditary breast and ovarian cancer syndrome; Hereditary breast and ovarian cancer; Hereditary breast and ovarian cancer syndrome (HBOC); Breast and ovarian cancer; Hereditary breast and/or ovarian cancer syndrome. Identifiers: Orphanet 145, MedGen C0677776, MeSH D061325, MONDO:0003582. Disease mechanism: loss of function.

gnomAD v4.1: 1 of 1,598,866 alleles (0.000063%); no homozygotes.

Submissions (6):

Labcorp Genetics (formerly Invitae), Labcorp
Classification: Uncertain significance for Hereditary breast ovarian cancer syndrome. Last evaluated: 2025-11-11. Review status: criteria provided, single submitter. Criteria: Invitae Variant Classification Sherloc (09022015). Collection method: clinical testing. Allele origin: germline.
Comment: This sequence change replaces glutamic acid, which is acidic and polar, with glycine, which is neutral and non-polar, at codon 1110 of the BRCA2 protein (p.Glu1110Gly). This variant is present in population databases (rs587782072, gnomAD 0.0009%). This missense change has been observed in individual(s) with a personal or family history of breast and/or ovarian cancer (PMID: 27882536). ClinVar contains an entry for this variant (Variation ID: 236847). Invitae Evidence Modeling of protein sequence and biophysical properties (such as structural, functional, and spatial information, amino acid conservation, physicochemical variation, residue mobility, and thermodynamic stability) indicates that this missense variant is not expected to disrupt BRCA2 protein function with a negative predictive value of 95%. In summary, the available evidence is currently insufficient to determine the role of this variant in disease. Therefore, it has been classified as a Variant of Uncertain Significance.

Quest Diagnostics Nichols Institute San Juan Capistrano
Classification: Uncertain significance. Last evaluated: 2025-03-17. Review status: criteria provided, single submitter. Criteria: Quest Diagnostics criteria. Collection method: clinical testing. Allele origin: unknown.
Comment: The BRCA2 c.3329A>G (p.Glu1110Gly) variant has been reported in the published literature in individuals with breast cancer (PMID: 27882536 (2016), 33471991 (2021), see also LOVD), and described to be located in a region of the BRCA2 gene that is tolerant to missense sequence changes (PMID: 31911673 (2020)). The frequency of this variant in the general population (Genome Aggregation Database) is uninformative in the assessment of its pathogenicity. Analysis of this variant using bioinformatics tools for the prediction of the effect of amino acid changes on protein structure and function yielded conflicting predictions that this variant is benign or damaging. Based on the available information, we are unable to determine the clinical significance of this variant.

Ambry Genetics
Classification: Uncertain significance for Hereditary cancer-predisposing syndrome. Last evaluated: 2024-03-19. Review status: criteria provided, single submitter. Criteria: Ambry Variant Classification Scheme 2023. Collection method: clinical testing. Allele origin: germline.
Comment: The p.E1110G variant (also known as c.3329A>G), located in coding exon 10 of the BRCA2 gene, results from an A to G substitution at nucleotide position 3329. The glutamic acid at codon 1110 is replaced by glycine, an amino acid with similar properties. This alteration has been identified in 2 individuals diagnosed with breast cancer (Loizidou MA et al. Clin Genet, 2017 Apr;91:611-615). This amino acid position is highly conserved in available vertebrate species. In addition, the in silico prediction for this alteration is inconclusive. Based on the available evidence, the clinical significance of this alteration remains unclear.

Color Diagnostics, LLC DBA Color Health
Classification: Uncertain significance for Hereditary cancer-predisposing syndrome. Last evaluated: 2023-04-12. Review status: criteria provided, single submitter. Criteria: ACMG Guidelines, 2015. Collection method: clinical testing. Allele origin: germline.
Comment: This missense variant replaces glutamic acid with glycine at codon 1110 of the BRCA2 protein. Computational prediction suggests that this variant may not impact protein structure and function (internally defined REVEL score threshold <= 0.5, PMID: 27666373). To our knowledge, functional studies have not been reported for this variant. This variant has been detected in at least one individual affected with breast or ovarian cancer (PMID: 27882536, 33471991; Leiden Open Variation Database DB-ID BRCA2_008067). This variant has been identified in 1/236698 chromosomes in the general population by the Genome Aggregation Database (gnomAD). The available evidence is insufficient to determine the role of this variant in disease conclusively. Therefore, this variant is classified as a Variant of Uncertain Significance.

University of Washington Department of Laboratory Medicine, University of Washington
Classification: Likely benign for Hereditary cancer-predisposing syndrome. Last evaluated: 2023-03-23. Review status: criteria provided, single submitter. Criteria: Dines et al. (Genet Med. 2020). Collection method: curation. Allele origin: germline.
Comment: Missense variant in a coldspot region where missense variants are very unlikely to be pathogenic (PMID:31911673).

BRCA2 exon 11 coldspot. Reclassification based on statistical prior probability.

GeneDx
Classification: Uncertain significance. Last evaluated: 2019-01-18. Review status: criteria provided, single submitter. Criteria: GeneDx Variant Classification (06012015). Collection method: clinical testing. Allele origin: germline. Affected: yes.
Comment: This variant is denoted BRCA2 c.3329A>G at the cDNA level, p.Glu1110Gly (E1110G) at the protein level, and results in the change of a Glutamic Acid to a Glycine (GAA>GGA). Using alternate nomenclature, this variant would be defined as BRCA2 3557A>G. This variant has not, to our knowledge, been published in the literature as pathogenic or benign. BRCA2 Glu1110Gly was not observed in approximately 6,500 individuals of European and African American ancestry in the NHLBI Exome Sequencing Project, suggesting it is not a common benign variant in these populations. Since Glutamic Acid and Glycine differ in polarity, charge, size or other properties, this is considered a non-conservative amino acid substitution. BRCA2 Glu1110Gly occurs at a position that is conserved across species and is not located in a known functional domain (UniProt). In silico analyses predict that this variant is probably damaging to protein structure and function. Based on currently available evidence, it is unclear whether BRCA2 Glu1110Gly is pathogenic or benign. We consider it to be a variant of uncertain significance.

Literature cited by the submitters: PubMed 27882536 (cited by 4 submitters); PubMed 29884841 (cited by Quest Diagnostics Nichols Institute San Juan Capistrano); PubMed 28569743 (cited by Quest Diagnostics Nichols Institute San Juan Capistrano); PubMed 31911673 (cited by Quest Diagnostics Nichols Institute San Juan Capistrano); PubMed 30702160 (cited by Quest Diagnostics Nichols Institute San Juan Capistrano); PubMed 33471991 (cited by Quest Diagnostics Nichols Institute San Juan Capistrano and Color Diagnostics, LLC DBA Color Health).